The following is an entry in ClinVar:

NM_006218.4(PIK3CA):c.524C>T (p.Pro175Leu)

Gene: PIK3CA (phosphatidylinositol-4,5-bisphosphate 3-kinase catalytic subunit alpha; plus strand). Cytogenetic location: 3q26.32.
Variant type: single nucleotide variant.
Coding change: c.524C>T on transcript NM_006218.4 (MANE Select); coding-DNA position 524, C replaced by T.
Protein change: p.Pro175Leu; replaces proline 175 with leucine.
Molecular consequence: missense variant.
Genome position (GRCh38, 1-based): chr3:179,199,861, C>T. VCF-style: chr3-179199861-C-T. GRCh37 (hg19) VCF-style: chr3-178917649-C-T.
Other names: short protein forms P175L.
Identifiers: ClinVar variation 959302 (VCV000959302.10), dbSNP rs1175225456, ClinGen allele CA355274708.

ClinVar aggregate classification (germline): Uncertain significance (1 of 4 stars; one submission).

Conditions:
Cowden syndrome (CS). Also called: Cowden's disease; Cowden's syndrome; Cowden disease. Identifiers: Orphanet 201, MedGen C0018553, MONDO:0016063. Disease mechanism: gain of function.

Allele frequency attached by ClinVar (database versions not stated): gnomAD exomes below 0.00001 and 0.00001.
gnomAD v4.1: 5 of 1,611,312 alleles (0.00031%); highest among the groups gnomAD compares: East Asian, 0.0022%; no homozygotes.

Submission:

Labcorp Genetics (formerly Invitae), Labcorp
Classification: Uncertain significance for Cowden syndrome. Last evaluated: 2019-07-24. Review status: criteria provided, single submitter. Criteria: Invitae Variant Classification Sherloc (09022015). Collection method: clinical testing. Allele origin: germline.
Comment: This sequence change replaces proline with leucine at codon 175 of the PIK3CA protein (p.Pro175Leu). The proline residue is moderately conserved and there is a moderate physicochemical difference between proline and leucine. This variant is not present in population databases (ExAC no frequency). In summary, the available evidence is currently insufficient to determine the role of this variant in disease. Therefore, it has been classified as a Variant of Uncertain Significance. Algorithms developed to predict the effect of missense changes on protein structure and function are either unavailable or do not agree on the potential impact of this missense change (SIFT: "Deleterious"; PolyPhen-2: "Benign"; Align-GVGD: "Class C0"). This variant has not been reported in the literature in individuals with PIK3CA-related conditions.